The following is an entry in ClinVar:

NM_007294.4(BRCA1):c.5152+3A>C

Gene: BRCA1 (BRCA1 DNA repair associated; minus strand). Cytogenetic location: 17q21.31.
Variant type: single nucleotide variant.
Coding change: c.5152+3A>C on transcript NM_007294.4 (MANE Select); 3 bases into the intron after coding-DNA position 5152, A replaced by C.
Molecular consequence: intron variant.
Genome position (GRCh38, 1-based): chr17:43,063,871, T>G on the plus strand (A>C on the coding strand, the complement: BRCA1 is on the minus strand). VCF-style: chr17-43063871-T-G. GRCh37 (hg19) VCF-style: chr17-41215888-T-G.
Other names: IVS18+3A>C; c.5029+3A>C (NM_001407919.1, NM_001407937.1, NM_001407669.1 and 6 more transcripts); c.1840+3A>C (NM_001407979.1, NM_001407982.1, NM_001407980.1 and 12 more transcripts); c.1843+3A>C (NM_001407977.1, NM_001407976.1, NM_001407974.1 and 3 more transcripts); c.5146+3A>C (NM_001407642.1, NM_001407634.1, NM_001407632.1 and 14 more transcripts); c.5149+3A>C (NM_001407625.1, NM_001407619.1, NM_001407610.1 and 17 more transcripts); c.5152+3A>C (NM_001407684.1, NM_001407594.1, NM_001407593.1 and 7 more transcripts); c.5215+3A>C (NM_001407583.1, NM_001407587.1, NM_001407585.1 and 1 more transcripts); and 74 more.
Identifiers: ClinVar variation 55425 (VCV000055425.16), dbSNP rs80358124, ClinGen allele CA003285.

ClinVar aggregate classification (germline): Pathogenic. Review status: reviewed by expert panel (3 of 4 stars). 6 submissions from 6 submitters: Pathogenic (1). 5 of the submissions do not count toward it. Last evaluated 2026-01-04.

Conditions:
BRCA1-related cancer predisposition. Identifiers: MedGen CN377757, MONDO:0700268.
Hereditary cancer-predisposing syndrome. Also called: Hereditary Cancer Syndrome; Hereditary neoplastic syndrome; Neoplastic Syndromes, Hereditary; Tumor predisposition. Identifiers: Orphanet 140162, MedGen C0027672, MeSH D009386, MONDO:0015356.
Hereditary breast ovarian cancer syndrome. Also called: BRCA1- and BRCA2-Associated Hereditary Breast and Ovarian Cancer; Hereditary breast and ovarian cancer syndrome; Hereditary breast and ovarian cancer syndrome (HBOC); Breast and ovarian cancer; Hereditary breast and/or ovarian cancer syndrome; Hereditary breast and ovarian cancer. Identifiers: Orphanet 145, MedGen C0677776, MeSH D061325, MONDO:0003582. Disease mechanism: loss of function.
Breast-ovarian cancer, familial, susceptibility to, 1 (BROVCA1). Also called: BRCA1 Hereditary Breast and Ovarian Cancer; OVARIAN CANCER, SUSCEPTIBILITY TO. Identifiers: Orphanet 145, MedGen C2676676, MONDO:0011450, OMIM 604370. Disease mechanism: loss of function.

Submissions (7):

ClinGen ENIGMA BRCA1 and BRCA2 Variant Curation Expert Panel, ClinGen
Classification: Pathogenic for BRCA1-related cancer predisposition. Last evaluated: 2026-01-04. Review status: reviewed by expert panel. Criteria: CSpec BRCA12ACMG Rules Specifications V1.1. Collection method: curation. Allele origin: germline. Inheritance: Autosomal dominant inheritance.
Comment: The c.5152+3A>C variant is an intronic variant occurring in intron 17(18) of the BRCA1 gene. This variant is absent from gnomAD v2.1 (exomes only, non-cancer subset, read depth ≥25) and gnomAD v3.1 (non-cancer subset, read depth ≥25) (PM2_Supporting met). Intronic variant, functional data considered only from assays that measure effect via mRNA and protein. Reported by one calibrated study incorporating mRNA splicing effects to exhibit protein function similar to pathogenic control variants (PMID:30209399) (PS3 met). This BRCA1 intronic variant is located outside of the native donor and acceptor 1,2 splice sites, and has a SpliceAI score of 0.88, predicting an impact on splicing (score threshold >0.20) (PP3 not applied as a PVS1 code is met). This variant is reported to result in aberrant mRNA splicing. RT-PCR demonstrated that the variant impacts splicing by exon skipping (PMID: 38922859). The percent of aberrant transcripts produced was not stated, however the effect is predicted to be almost complete using an allele specific expression analysis. Appropriate code strength determined by comparison of results to PVS1 decision tree (PVS1 (RNA) met). Multifactorial likelihood ratio analysis using clinically calibrated data produced a combined LR for this variant of 8.35 (based on Cosegregation LR=1.94; Pathology LR=4.3), within the thresholds for moderate evidence towards pathogenicity (LR >4.3 & ≤18.7) (PP4_Moderate met; Internal lab contributor). In summary, this variant meets the criteria to be classified as a Pathogenic variant for BRCA1-related cancer predisposition based on the ACMG/AMP criteria applied as specified by the ENIGMA BRCA1/2 VCEP (PM2_Supporting, PS3, PVS1 (RNA), PP4_Moderate).

Molecular Diagnostics Laboratory, Catalan Institute of Oncology
Classification: Pathogenic for Hereditary cancer-predisposing syndrome. Last evaluated: 2024-11-28. Review status: criteria provided, single submitter. Criteria: ClinGen BRCA1BRCA2 ACMG Specifications BRCA1 V1.0.0. Collection method: clinical testing. Allele origin: germline. Not counted in ClinVar's aggregate classification.
Comment: PVS1 (RNA), PS3, PM2_Supporting BRCA1:c.5152+3A>C is an intronic variant located close to a canonical splice site, that causes the skipping of exon 18, r.5075_5152del, p.Asp1692_Trp1718delinsGly (PMID:38922859 and internal data), in a region critical for protein function (PVS1_RNA). It is not present in the population database gnomAD v2.1.1, non-cancer dataset (PM2_supporting). The SpliceAI algorithm predicts that the variant impairs the splicing donor site of intron 17. Reported by one calibrated study incorporating mRNA splicing effects to affect protein function similar to pathogenic control variants (PMID:30209399) (PS3). It has been reported in multiple cancer-affected patients (PMID: 38922859, 39468117, and data from our internal cohort). This variant has been reported in the ClinVar database (3x pathogenic, 1x uncertain significance), in the LOVD database (1x pathogenic), and has not been classified in the BRCA Exchange database. Based on currently available information, the variant c.5152+3A>C should be considered a pathogenic variant, according to ClinGen ENIGMA BRCA1 and BRCA2 Expert Panel Specifications to the ACMG/AMP Variant Interpretation Guidelines for BRCA1 Version 1.0.0.

Consortium of Investigators of Modifiers of BRCA1/2 (CIMBA), c/o University of Cambridge
Classification: Pathogenic for Breast-ovarian cancer, familial, susceptibility to, 1. Last evaluated: 2015-10-02. Review status: criteria provided, single submitter. Criteria: CIMBA Mutation Classification guidelines May 2016. Collection method: clinical testing. Allele origin: germline. Not counted in ClinVar's aggregate classification.

Molecular Oncology, Hospital Universitario Central de Asturias (HUCA)
Classification: Pathogenic for Breast-ovarian cancer, familial, susceptibility to, 1. Last evaluated: 2021-05-24. Review status: no assertion criteria provided. Collection method: case-control. Allele origin: germline. Affected: yes. Not counted in ClinVar's aggregate classification.
Comment: RNA analysis by RT-PCR performed in our laboratory showed that this variant leads to an in-frame skipping of exon 18 (NM_007294.4, legacy numbering), r.5075_5152del, p.Asp1692_Trp1718delinsGly. The relative abundance of splicing transcript was calculated, compared to full-length, yielding a level of altered transcripts around 50%, suggesting that variant allele did not contribute to generate normal transcript.

Breast Cancer Information Core (BIC) (BRCA1)
Classification: Pathogenic for Breast-ovarian cancer, familial 1. Review status: no assertion criteria provided. Collection method: clinical testing. Allele origin: germline. Affected: yes. Observed: 1 variant allele. Not counted in ClinVar's aggregate classification.

Brotman Baty Institute, University of Washington
No classification provided (evidence only). Condition: Breast-ovarian cancer, familial 1. Review status: no classification provided. Collection method: in vitro. Allele origin: not applicable. Functional consequence: functionally_abnormal. Not counted in ClinVar's aggregate classification.
ClinVar note: "not provided" was previously submitted as the classification for the variant. However, the classification appeared to be based only on an observation of functional data so it was converted to no classification on 2025-07-30.

Labcorp Genetics (formerly Invitae), Labcorp
Classification: Uncertain significance for Hereditary breast ovarian cancer syndrome. Last evaluated: 2024-12-02. Review status: flagged submission. Criteria: Invitae Variant Classification Sherloc (09022015). Collection method: clinical testing. Allele origin: germline. Not counted in ClinVar's aggregate classification.
Comment: This sequence change falls in intron 17 of the BRCA1 gene. It does not directly change the encoded amino acid sequence of the BRCA1 protein. It affects a nucleotide within the consensus splice site. This variant is not present in population databases (gnomAD no frequency). This variant has been observed in individual(s) with breast and/or ovarian cancer (PMID: 12928470). ClinVar contains an entry for this variant (Variation ID: 55425). Algorithms developed to predict the effect of variants on gene product structure and function are not available or were not evaluated for this variant. Experimental studies have shown that this variant affects BRCA1 function (PMID: 30209399). Variants that disrupt the consensus splice site are a relatively common cause of aberrant splicing (PMID: 17576681, 9536098). Algorithms developed to predict the effect of sequence changes on RNA splicing suggest that this variant may disrupt the consensus splice site. In summary, the available evidence is currently insufficient to determine the role of this variant in disease. Therefore, it has been classified as a Variant of Uncertain Significance.
ClinVar note: Reason: Older claim that does not account for recent evidence

Literature cited by the submitters: PubMed 38922859 (cited by Molecular Oncology, Hospital Universitario Central de Asturias (HUCA)); PubMed 12928470 (cited by Labcorp Genetics (formerly Invitae), Labcorp); PubMed 30209399 (cited by Labcorp Genetics (formerly Invitae), Labcorp); PubMed 17576681 (cited by Labcorp Genetics (formerly Invitae), Labcorp); PubMed 9536098 (cited by Labcorp Genetics (formerly Invitae), Labcorp).